The following is an entry in ClinVar:

ClinVar aggregate classification (germline): Benign/Likely benign. Review status: criteria provided, multiple submitters, no conflicts (2 of 4 stars). 5 submissions from 5 submitters: Benign (2); Likely benign (2). 1 of the submissions does not count toward it. Last evaluated 2026-01-30.

Conditions:
FANCL-related disorder. Also called: FANCL-related condition.
Fanconi anemia (FA). Also called: Fanconi's anemia. Identifiers: Orphanet 84, MedGen C0015625, MeSH D005199, MONDO:0019391.
Fanconi anemia complementation group L (FANCL). Also called: FANCL-Related Fanconi Anemia. Identifiers: Orphanet 84, MedGen C3469528, MONDO:0013566, OMIM 614083.

Allele frequency attached by ClinVar (database versions not stated): gnomAD 0.00004 and 0.00093; ESP Exome Variant Server 0.00008; TOPMed 0.00020; gnomAD exomes 0.00146 and 0.00301; ExAC 0.00349; 1000 Genomes Project 30x 0.00515; 1000 Genomes Project 0.00559.
gnomAD v4.1: 2,283 of 1,610,222 alleles (0.14%); highest among the groups gnomAD compares: South Asian, 2.3%; 46 homozygotes.

Submissions (5):

Labcorp Genetics (formerly Invitae), Labcorp
Classification: Benign for Fanconi anemia. Last evaluated: 2026-01-30. Review status: criteria provided, single submitter. Criteria: Invitae Variant Classification Sherloc (09022015). Collection method: clinical testing. Allele origin: germline.

Fulgent Genetics
Classification: Likely benign for Fanconi anemia complementation group L. Last evaluated: 2021-11-08. Review status: criteria provided, single submitter. Criteria: ACMG Guidelines, 2015. Collection method: clinical testing. Allele origin: unknown.

Illumina Laboratory Services, Illumina
Classification: Benign for Fanconi anemia complementation group L. Last evaluated: 2018-01-13. Review status: criteria provided, single submitter. Criteria: ICSL Variant Classification Criteria 13 December 2019. Collection method: clinical testing. Allele origin: germline.
Comment: This variant was observed in the ICSL laboratory as part of a predisposition screen in an ostensibly healthy population. It had not been previously curated by ICSL or reported in the Human Gene Mutation Database (HGMD: prior to June 1st, 2018), and was therefore a candidate for classification through an automated scoring system. Utilizing variant allele frequency, disease prevalence and penetrance estimates, and inheritance mode, an automated score was calculated to assess if this variant is too frequent to cause the disease. Based on the score and internal cut-off values, a variant classified as benign is not then subjected to further curation. The score for this variant resulted in a classification of benign for this disease.

Genetic Services Laboratory, University of Chicago
Classification: Likely benign. Last evaluated: 2017-01-10. Review status: criteria provided, single submitter. Criteria: ACMG Guidelines, 2015. Collection method: clinical testing. Allele origin: germline. Affected: no.

PreventionGenetics, part of Exact Sciences
Classification: Benign for FANCL-related condition. Last evaluated: 2019-11-04. Review status: no assertion criteria provided. Collection method: clinical testing. Allele origin: germline. Not counted in ClinVar's aggregate classification.
Comment: This variant is classified as benign based on ACMG/AMP sequence variant interpretation guidelines (Richards et al. 2015 PMID: 25741868, with internal and published modifications).

NM_018062.4(FANCL):c.755T>G (p.Phe252Cys)

Gene: FANCL (FA complementation group L; minus strand). Cytogenetic location: 2p16.1.
Variant type: single nucleotide variant.
Coding change: c.755T>G on transcript NM_018062.4 (MANE Select); coding-DNA position 755, T replaced by G.
Protein change: p.Phe252Cys; replaces phenylalanine 252 with cysteine.
Molecular consequence: missense variant.
Genome position (GRCh38, 1-based): chr2:58,163,454, A>C on the plus strand (T>G on the coding strand, the complement: FANCL is on the minus strand). VCF-style: chr2-58163454-A-C. GRCh37 (hg19) VCF-style: chr2-58390589-A-C.
Other names: c.770T>G, p.Phe257Cys (NM_001114636.2); c.800T>G, p.Phe267Cys (NM_001374615.1); c.815T>G, p.Phe272Cys (NM_001410792.1); short protein forms F257C, F252C, F267C, F272C.
Identifiers: ClinVar variation 220759 (VCV000220759.22), dbSNP rs139801716, ClinGen allele CA349365.